The following is an entry in ClinVar:

ClinVar aggregate classification (germline): Uncertain significance (1 of 4 stars; one submission).

Allele frequency attached by ClinVar (database versions not stated): gnomAD exomes below 0.00001.
gnomAD v4.1: 1 of 1,614,196 alleles (0.000062%); highest among the groups gnomAD compares: Admixed American, 0.0017%; no homozygotes.

Submission:

Labcorp Genetics (formerly Invitae), Labcorp
Classification: Uncertain significance. Last evaluated: 2022-10-25. Review status: criteria provided, single submitter. Criteria: Invitae Variant Classification Sherloc (09022015). Collection method: clinical testing. Allele origin: germline.
Comment: This sequence change replaces tryptophan, which is neutral and slightly polar, with cysteine, which is neutral and slightly polar, at codon 460 of the TPP1 protein (p.Trp460Cys). This variant is present in population databases (no rsID available, gnomAD 0.003%). This variant has not been reported in the literature in individuals affected with TPP1-related conditions. Advanced modeling of protein sequence and biophysical properties (such as structural, functional, and spatial information, amino acid conservation, physicochemical variation, residue mobility, and thermodynamic stability) performed at Invitae indicates that this missense variant is expected to disrupt TPP1 protein function. In summary, the available evidence is currently insufficient to determine the role of this variant in disease. Therefore, it has been classified as a Variant of Uncertain Significance.

NM_000391.4(TPP1):c.1380G>C (p.Trp460Cys)

Gene: TPP1 (tripeptidyl peptidase 1; minus strand). Cytogenetic location: 11p15.4.
Variant type: single nucleotide variant.
Coding change: c.1380G>C on transcript NM_000391.4 (MANE Select); coding-DNA position 1380, G replaced by C.
Protein change: p.Trp460Cys; replaces tryptophan 460 with cysteine.
Molecular consequence: missense variant.
Genome position (GRCh38, 1-based): chr11:6,615,216, C>G on the plus strand (G>C on the coding strand, the complement: TPP1 is on the minus strand). VCF-style: chr11-6615216-C-G. GRCh37 (hg19) VCF-style: chr11-6636447-C-G.
Other names: short protein forms W460C.
Identifiers: ClinVar variation 1920628 (VCV001920628.2), dbSNP rs1417099610, ClinGen allele CA379472601.